The following is an entry in ClinVar:

NM_152618.3(BBS12):c.1375C>T (p.Gln459Ter)

Gene: BBS12 (Bardet-Biedl syndrome 12; plus strand). Cytogenetic location: 4q27.
Variant type: single nucleotide variant.
Coding change: c.1375C>T on transcript NM_152618.3 (MANE Select); coding-DNA position 1375, C replaced by T.
Protein change: p.Gln459Ter; replaces glutamine 459 with a stop codon.
Molecular consequence: nonsense.
Genome position (GRCh38, 1-based): chr4:122,743,267, C>T. VCF-style: chr4-122743267-C-T. GRCh37 (hg19) VCF-style: chr4-123664422-C-T.
Other names: c.1375C>T, p.Gln459Ter (NM_001178007.2); short protein forms Q459*.
Identifiers: ClinVar variation 531820 (VCV000531820.14), dbSNP rs1269565757, ClinGen allele CA358224980.

ClinVar aggregate classification (germline): Pathogenic/Likely pathogenic. Review status: criteria provided, multiple submitters, no conflicts (2 of 4 stars). 5 submissions from 5 submitters: Pathogenic (2); Likely pathogenic (2). 1 of the submissions does not count toward it. Last evaluated 2024-10-24.

Conditions:
BBS12-related disorder. Also called: BBS12-related condition.
Bardet-Biedl syndrome (BBS). Identifiers: Orphanet 110, MedGen C0752166, MONDO:0015229.
Bardet-Biedl syndrome 12 (BBS12). Identifiers: Orphanet 110, MedGen C1859570, MONDO:0014440, OMIM 615989.

Allele frequency attached by ClinVar (database versions not stated): gnomAD exomes below 0.00001; gnomAD 0.00001; TOPMed 0.00001.

Submissions (5):

Labcorp Genetics (formerly Invitae), Labcorp
Classification: Pathogenic for Bardet-Biedl syndrome. Last evaluated: 2024-10-24. Review status: criteria provided, single submitter. Criteria: Invitae Variant Classification Sherloc (09022015). Collection method: clinical testing. Allele origin: germline.
Comment: This sequence change creates a premature translational stop signal (p.Gln459*) in the BBS12 gene. While this is not anticipated to result in nonsense mediated decay, it is expected to disrupt the last 252 amino acid(s) of the BBS12 protein. This variant is present in population databases (no rsID available, gnomAD 0.007%). This premature translational stop signal has been observed in individual(s) with Bardet-Biedl syndrome (internal data). ClinVar contains an entry for this variant (Variation ID: 531820). This variant disrupts a region of the BBS12 protein in which other variant(s) (p.Arg675*) have been determined to be pathogenic (PMID: 20827784, 21642631; internal data). This suggests that this is a clinically significant region of the protein, and that variants that disrupt it are likely to be disease-causing. For these reasons, this variant has been classified as Pathogenic.

Natera, Inc.
Classification: Pathogenic for Bardet-Biedl syndrome type 12. Last evaluated: 2024-08-12. Review status: criteria provided, single submitter. Criteria: Natera Variant Classification Schema (03/2026). Collection method: clinical testing. Allele origin: germline.
Comment: The c.1375C>T variant in BBS12 is a nonsense variant predicted to introduce a stop codon at amino acid 459. This variant is expected to result in nonsense mediated decay, truncation, or a dysfunctional protein product. This variant is rare in the general population with a frequency below the threshold expected for the associated phenotype(s). This variant has been observed in one or more individuals affected with the associated recessive disease, as either homozygous or compound heterozygous with a second variant (PMID: 33419754, 38674450). Given the available evidence, this variant is classified as Pathogenic.

Blueprint Genetics
Classification: Likely pathogenic for BBS12-related disorders. Last evaluated: 2022-04-28. Review status: criteria provided, single submitter. Criteria: ACMG Guidelines, 2015. Collection method: clinical testing. Allele origin: germline. Affected: yes. Observed: 2 variant alleles.

Fulgent Genetics
Classification: Likely pathogenic for Bardet-Biedl syndrome 12. Last evaluated: 2021-10-01. Review status: criteria provided, single submitter. Criteria: ACMG Guidelines, 2015. Collection method: clinical testing. Allele origin: unknown.

Counsyl
Classification: Likely pathogenic for Bardet-Biedl syndrome 12. Last evaluated: 2017-09-01. Review status: no assertion criteria provided. Collection method: clinical testing. Allele origin: unknown. Not counted in ClinVar's aggregate classification.

Literature cited by the submitters: PubMed 20827784 (cited by Labcorp Genetics (formerly Invitae), Labcorp); PubMed 21642631 (cited by Labcorp Genetics (formerly Invitae), Labcorp); PubMed 33419754 (cited by Natera, Inc.); PubMed 38674450 (cited by Natera, Inc.).